The following is an entry in ClinVar:

GRCh38/hg38 17p12(chr17:14174654-15536883)x3

Genes: CDRT15 (CMT1A duplicated region transcript 15; minus strand), CDRT3 (CMT1A duplicated region transcript 3; minus strand), CDRT4 (CMT1A duplicated region transcript 4; minus strand), CDRT7 (CMT1A duplicated region transcript 7; plus strand), CDRT8 (CMT1A duplicated region transcript 8; minus strand) and 22 more. Cytogenetic location: 17p12.
Variant type: copy number gain.
Change: copy number 3 (three copies instead of two) of chr17:14,174,654-15,536,883 (1.36 Mb, GRCh38 coordinates, 1-based), cytogenetic band 17p12.
Identifiers: ClinVar variation 4796228 (VCV004796228.1).

ClinVar aggregate classification (germline): Pathogenic (1 of 4 stars; one submission).

Submission:

Medical Genetic Center, Changzhi Maternal and Child Health Care Hospital
Classification: Pathogenic. Last evaluated: 2025-12-10. Review status: criteria provided, single submitter. Criteria: ACMG/ClinGen CNV Guidelines, 2019. Collection method: clinical testing. Allele origin: unknown.
Comment: 2A:17p12 recurrent (HNPP/CMT1A) region (includes PMP22)